The following is an entry in ClinVar:

NM_001378183.1(PIEZO2):c.6520G>A (p.Gly2174Ser)

Gene: PIEZO2 (piezo type mechanosensitive ion channel component 2; minus strand). Cytogenetic location: 18p11.22.
Variant type: single nucleotide variant.
Coding change: c.6520G>A on transcript NM_001378183.1 (MANE Select); coding-DNA position 6520, G replaced by A.
Protein change: p.Gly2174Ser; replaces glycine 2174 with serine.
Molecular consequence: missense variant.
Genome position (GRCh38, 1-based): chr18:10,699,099, C>T on the plus strand (G>A on the coding strand, the complement: PIEZO2 is on the minus strand). VCF-style: chr18-10699099-C-T. GRCh37 (hg19) VCF-style: chr18-10699097-C-T.
Other names: c.6256G>A, p.Gly2086Ser (NM_001410871.1); c.6181G>A, p.Gly2061Ser (NM_022068.4); short protein forms G2061S, G2086S, G2174S.
Identifiers: ClinVar variation 4989331 (VCV004989331.1).
Genomic context (GRCh38, chr18:10,699,099, plus strand): 5'-CCACAGACGCGGCCAGGTTGATGGACTTGAGAGAATCGGAGGAGTCCCTCCTGCCATGAC[C>T]GAGGGAGAGCTCATCATCTGATTCCTCCCTGGCCATGCCACTTTCAGTCATGTCATCTTC-3'
Protein context (NP_001365112.1, residues 2164-2184): REESDDELSL[Gly2174Ser]HGRRDSSDSL

ClinVar aggregate classification (germline): Uncertain significance (1 of 4 stars; one submission).

Conditions:
PIEZO2-related disorder. Also called: PIEZO2-related disorders; PIEZO2-related condition.

gnomAD v4.1: 24 of 1,537,070 alleles (0.0016%); highest among the groups gnomAD compares: Admixed American, 0.0059%; no homozygotes.

Submission:

PreventionGenetics, part of Exact Sciences
Classification: Uncertain significance for PIEZO2-related condition. Last evaluated: 2026-07-08. Review status: criteria provided, single submitter. Criteria: ACMG Guidelines, 2015. Collection method: clinical testing. Allele origin: germline.
Comment: The PIEZO2 c.6181G>A variant is predicted to result in the amino acid substitution p.Gly2061Ser. To our knowledge, this variant has not been reported in the literature. This variant is reported in 0.013% of alleles in individuals of South Asian descent in gnomAD. At this time, the clinical significance of this variant is uncertain due to the absence of conclusive functional and genetic evidence.